The following is an entry in ClinVar:

ClinVar aggregate classification (germline): Uncertain significance. Review status: criteria provided, multiple submitters, no conflicts (2 of 4 stars). 2 submissions from 2 submitters: Uncertain significance (2). Last evaluated 2025-02-25.

Conditions:
Epileptic encephalopathy. Identifiers: MedGen C0543888, HP:0200134.

Allele frequency attached by ClinVar (database versions not stated): gnomAD exomes 0.00001 and 0.00003; TOPMed 0.00001; ExAC 0.00006.
gnomAD v4.1: 7 of 1,562,710 alleles (0.00045%); highest among the groups gnomAD compares: Admixed American, 0.011%; no homozygotes.

Submissions (2):

Ambry Genetics
Classification: Uncertain significance. Last evaluated: 2025-02-25. Review status: criteria provided, single submitter. Criteria: Ambry Variant Classification Scheme 2023. Collection method: clinical testing. Allele origin: germline.

Labcorp Genetics (formerly Invitae), Labcorp
Classification: Uncertain significance for Epileptic encephalopathy. Last evaluated: 2024-03-11. Review status: criteria provided, single submitter. Criteria: Invitae Variant Classification Sherloc (09022015). Collection method: clinical testing. Allele origin: germline.
Comment: This sequence change replaces arginine, which is basic and polar, with cysteine, which is neutral and slightly polar, at codon 1662 of the FASN protein (p.Arg1662Cys). The frequency data for this variant in the population databases is considered unreliable, as metrics indicate poor data quality at this position in the gnomAD database. This variant has not been reported in the literature in individuals affected with FASN-related conditions. ClinVar contains an entry for this variant (Variation ID: 1492501). An algorithm developed to predict the effect of missense changes on protein structure and function (PolyPhen-2) suggests that this variant is likely to be disruptive. In summary, the available evidence is currently insufficient to determine the role of this variant in disease. Therefore, it has been classified as a Variant of Uncertain Significance.

NM_004104.5(FASN):c.4984C>T (p.Arg1662Cys)

Gene: FASN (fatty acid synthase; minus strand). Cytogenetic location: 17q25.3.
Variant type: single nucleotide variant.
Coding change: c.4984C>T on transcript NM_004104.5 (MANE Select); coding-DNA position 4984, C replaced by T.
Protein change: p.Arg1662Cys; replaces arginine 1662 with cysteine.
Molecular consequence: missense variant.
Genome position (GRCh38, 1-based): chr17:82,084,089, G>A on the plus strand (C>T on the coding strand, the complement: FASN is on the minus strand). VCF-style: chr17-82084089-G-A. GRCh37 (hg19) VCF-style: chr17-80041965-G-A.
Other names: c.4984C>T (NM_004104.4); short protein forms R1662C.
Identifiers: ClinVar variation 1492501 (VCV001492501.9), dbSNP rs757523333, ClinGen allele CA8851867.